The following is an entry in ClinVar:

NM_000135.4(FANCA):c.1814_1815del (p.Glu605fs)

Gene: FANCA (FA complementation group A; minus strand). Cytogenetic location: 16q24.3.
Variant type: Microsatellite.
Coding change: c.1814_1815del on transcript NM_000135.4 (MANE Select); coding-DNA positions 1814 to 1815, 2 bases deleted (AG; older notation c.1814_1815delAG).
Protein change: p.Glu605fs; shifts the reading frame from glutamic acid 605.
Molecular consequence: frameshift variant.
Genome position (GRCh38, 1-based): chr16:89,778,812-89,778,813, CT deleted on the plus strand (AG on the coding strand, the reverse complement: FANCA is on the minus strand); deleting any 2 consecutive bases within chr16:89,778,812-89,778,815 gives the same sequence; the c. name uses the placement nearest the transcript's 3' end. VCF-style (leftmost placement, unchanged base first): chr16-89778811-ACT-A. GRCh37 (hg19) VCF-style: chr16-89845219-ACT-A.
Other names: c.1814_1815del (NM_000135.2); c.1814_1815del, p.Glu605fs (NM_001286167.3); short protein forms E605fs.
Identifiers: ClinVar variation 456085 (VCV000456085.8), dbSNP rs759899153, ClinGen allele CA8252056.
Genomic context (GRCh38, chr16:89,778,811, plus strand): 5'-GTCAGAAGAAACCTGGAAGTAGTCATCCCCTTCTAACCGTTGCTGCATACCTCTTCAGAG[ACT>A]CTATAAACGCCACACGGGAGTCAGGGACTTTGGGGAGCTGTGGGAAGAGAAGAGACCTGT-3'

ClinVar aggregate classification (germline): Pathogenic. Review status: criteria provided, single submitter (1 of 4 stars). 2 submissions from 2 submitters: Pathogenic (1). 1 of the submissions does not count toward it. Last evaluated 2026-01-28.

Conditions:
Fanconi anemia (FA). Also called: Fanconi's anemia. Identifiers: Orphanet 84, MedGen C0015625, MeSH D005199, MONDO:0019391.
Fanconi anemia complementation group A (FANCA). Also called: Fanconi anemia, group A; FANCA-Related Fanconi Anemia. Identifiers: Orphanet 84, MedGen C3469521, MONDO:0009215, OMIM 227650.

Submissions (2):

Labcorp Genetics (formerly Invitae), Labcorp
Classification: Pathogenic for Fanconi anemia. Last evaluated: 2026-01-28. Review status: criteria provided, single submitter. Criteria: Invitae Variant Classification Sherloc (09022015). Collection method: clinical testing. Allele origin: germline.
Comment: This sequence change creates a premature translational stop signal (p.Glu605Valfs*7) in the FANCA gene. It is expected to result in an absent or disrupted protein product. Loss-of-function variants in FANCA are known to be pathogenic (PMID: 19367192). This variant is present in population databases (rs759899153, gnomAD 0.007%). This premature translational stop signal has been observed in individual(s) with renal cancer (PMID: 29625052). ClinVar contains an entry for this variant (Variation ID: 456085). For these reasons, this variant has been classified as Pathogenic.

Leiden Open Variation Database
Classification: Uncertain significance for Fanconi anemia complementation group A. Last evaluated: 2020-02-28. Review status: no assertion criteria provided. Collection method: curation. Allele origin: germline. Affected: yes. Not counted in ClinVar's aggregate classification.
Comment: Curator: Arleen D. Auerbach. Submitter to LOVD: Arleen D. Auerbach.

Literature cited by the submitters: PubMed 19367192 (cited by Labcorp Genetics (formerly Invitae), Labcorp); PubMed 29625052 (cited by Labcorp Genetics (formerly Invitae), Labcorp).